The following is an entry in ClinVar:

ClinVar aggregate classification (germline): Uncertain significance (1 of 4 stars; one submission).

Submission:

CeGaT Center for Human Genetics Tuebingen
Classification: Uncertain significance. Last evaluated: 2026-07-01. Review status: criteria provided, single submitter. Criteria: CeGaT Center For Human Genetics Tuebingen Variant Classification Criteria Version 2. Collection method: clinical testing. Allele origin: germline. Affected: yes. Observed: 1 variant allele.
Comment: RAD51: PM2, BP4

NM_002875.5(RAD51):c.225+698T>C

Gene: RAD51 (RAD51 recombinase; plus strand). Cytogenetic location: 15q15.1.
Variant type: single nucleotide variant.
Coding change: c.225+698T>C on transcript NM_002875.5 (MANE Select); 698 bases into the intron after coding-DNA position 225, T replaced by C.
Molecular consequence: intron variant. On other transcripts: missense variant (2).
Genome position (GRCh38, 1-based): chr15:40,701,899, T>C. VCF-style: chr15-40701899-T-C. GRCh37 (hg19) VCF-style: chr15-40994097-T-C.
Other names: c.319T>C, p.Ser107Pro (NM_001164269.2, NM_133487.4); c.225+698T>C (NM_001164270.2); short protein forms S107P.
Identifiers: ClinVar variation 5040130 (VCV005040130.1).